The following is an entry in ClinVar:

NM_015512.5(DNAH1):c.4001A>G (p.Asp1334Gly)

Gene: DNAH1 (dynein axonemal heavy chain 1; plus strand). Cytogenetic location: 3p21.1.
Variant type: single nucleotide variant.
Coding change: c.4001A>G on transcript NM_015512.5 (MANE Select); coding-DNA position 4001, A replaced by G.
Protein change: p.Asp1334Gly; replaces aspartic acid 1334 with glycine.
Molecular consequence: missense variant.
Genome position (GRCh38, 1-based): chr3:52,357,918, A>G. VCF-style: chr3-52357918-A-G. GRCh37 (hg19) VCF-style: chr3-52391934-A-G.
Other names: short protein forms D1334G.
Identifiers: ClinVar variation 1961615 (VCV001961615.5), dbSNP rs2471200128, ClinGen allele CA353123476.

ClinVar aggregate classification (germline): Uncertain significance (1 of 4 stars; one submission).

Conditions:
Spermatogenic failure 18. Identifiers: MedGen C4539783, MONDO:0054615, OMIM 617576.
Ciliary dyskinesia, primary, 37 (CILD37). Also called: CILIARY DYSKINESIA, PRIMARY, 37, WITH OR WITHOUT SITUS INVERSUS. Identifiers: MedGen C4539798, MONDO:0033204, OMIM 617577.

Submission:

Labcorp Genetics (formerly Invitae), Labcorp
Classification: Uncertain significance for Ciliary dyskinesia, primary, 37; Spermatogenic failure 18. Last evaluated: 2025-01-23. Review status: criteria provided, single submitter. Criteria: Invitae Variant Classification Sherloc (09022015). Collection method: clinical testing. Allele origin: germline.
Comment: This sequence change replaces aspartic acid, which is acidic and polar, with glycine, which is neutral and non-polar, at codon 1334 of the DNAH1 protein (p.Asp1334Gly). This variant is not present in population databases (gnomAD no frequency). This variant has not been reported in the literature in individuals affected with DNAH1-related conditions. ClinVar contains an entry for this variant (Variation ID: 1961615). Invitae Evidence Modeling of protein sequence and biophysical properties (such as structural, functional, and spatial information, amino acid conservation, physicochemical variation, residue mobility, and thermodynamic stability) indicates that this missense variant is not expected to disrupt DNAH1 protein function with a negative predictive value of 80%. In summary, the available evidence is currently insufficient to determine the role of this variant in disease. Therefore, it has been classified as a Variant of Uncertain Significance.